The following is an entry in ClinVar:

ClinVar aggregate classification (germline): Likely benign. Review status: criteria provided, multiple submitters, no conflicts (2 of 4 stars). 2 submissions from 2 submitters: Likely benign (2). Last evaluated 2026-05-11.

Conditions:
Neurofibromatosis, type 1 (NF1). Also called: NEUROFIBROMATOSIS, TYPE I, SOMATIC; Peripheral type neurofibromatosis; VON RECKLINGHAUSEN DISEASE; Neurofibromatosis, type I. Identifiers: Orphanet 636, MedGen C0027831, MONDO:0018975, OMIM 162200. Disease mechanism: loss of function.

Submissions (2):

Myriad Genetics, Inc.
Classification: Likely benign for Neurofibromatosis, type 1. Last evaluated: 2026-05-11. Review status: criteria provided, single submitter. Criteria: Myriad Autosomal Dominant, Autosomal Recessive and X-Linked Classification Criteria (2023). Collection method: clinical testing. Allele origin: unknown.
Comment: This variant is considered likely benign. This variant is intronic and is not expected to impact mRNA splicing.

Labcorp Genetics (formerly Invitae), Labcorp
Classification: Likely benign for Neurofibromatosis, type 1. Last evaluated: 2021-11-22. Review status: criteria provided, single submitter. Criteria: Invitae Variant Classification Sherloc (09022015). Collection method: clinical testing. Allele origin: germline.

NM_001042492.3(NF1):c.1185+9A>T

Gene: NF1 (neurofibromin 1; plus strand). Cytogenetic location: 17q11.2.
Variant type: single nucleotide variant.
Coding change: c.1185+9A>T on transcript NM_001042492.3 (MANE Select); 9 bases into the intron after coding-DNA position 1185, A replaced by T.
Molecular consequence: intron variant.
Genome position (GRCh38, 1-based): chr17:31,201,168, A>T. VCF-style: chr17-31201168-A-T. GRCh37 (hg19) VCF-style: chr17-29528186-A-T.
Other names: c.1185+9A>T (NM_000267.4, NM_001128147.3).
Identifiers: ClinVar variation 748168 (VCV000748168.10), dbSNP rs776421322, ClinGen allele CA915949678.
Genomic context (GRCh38, chr17:31,201,168, plus strand): 5'-CTGCCTTGTTTCTTGCTTTCGTATAAGCCCTCACAACAACCAACACTTTAAGGTGAGAGC[A>T]TTGGTTTTTATCTAACTATATTTACTGATGCTGTTATCCTTTATAAACAAAAAGACTATA-3'